The following is an entry in ClinVar:

ClinVar aggregate classification (germline): Uncertain significance. Review status: criteria provided, multiple submitters, no conflicts (2 of 4 stars). 2 submissions from 2 submitters: Uncertain significance (2). Last evaluated 2025-10-21.

Allele frequency attached by ClinVar (database versions not stated): gnomAD 0.00001; ExAC 0.00002; TOPMed 0.00003; gnomAD exomes 0.00004.
gnomAD v4.1: 25 of 1,598,248 alleles (0.0016%); highest among the groups gnomAD compares: Admixed American, 0.042%; no homozygotes.

Submissions (2):

Labcorp Genetics (formerly Invitae), Labcorp
Classification: Uncertain significance. Last evaluated: 2025-10-21. Review status: criteria provided, single submitter. Criteria: Invitae Variant Classification Sherloc (09022015). Collection method: clinical testing. Allele origin: germline.
Comment: This sequence change replaces serine, which is neutral and polar, with asparagine, which is neutral and polar, at codon 111 of the FBN3 protein (p.Ser111Asn). This variant is present in population databases (rs766044248, gnomAD 0.07%), and has an allele count higher than expected for a pathogenic variant. This variant has not been reported in the literature in individuals affected with FBN3-related conditions. ClinVar contains an entry for this variant (Variation ID: 2177231). An algorithm developed to predict the effect of missense changes on protein structure and function (PolyPhen-2) suggests that this variant is likely to be tolerated. In summary, the available evidence is currently insufficient to determine the role of this variant in disease. Therefore, it has been classified as a Variant of Uncertain Significance.

Ambry Genetics
Classification: Uncertain significance. Last evaluated: 2024-11-20. Review status: criteria provided, single submitter. Criteria: Ambry Variant Classification Scheme 2023. Collection method: clinical testing. Allele origin: germline.

NM_032447.5(FBN3):c.332G>A (p.Ser111Asn)

Gene: FBN3 (fibrillin 3; minus strand). Cytogenetic location: 19p13.2.
Variant type: single nucleotide variant.
Coding change: c.332G>A on transcript NM_032447.5 (MANE Select); coding-DNA position 332, G replaced by A.
Protein change: p.Ser111Asn; replaces serine 111 with asparagine.
Molecular consequence: missense variant.
Genome position (GRCh38, 1-based): chr19:8,146,144, C>T on the plus strand (G>A on the coding strand, the complement: FBN3 is on the minus strand). VCF-style: chr19-8146144-C-T. GRCh37 (hg19) VCF-style: chr19-8211028-C-T.
Other names: c.332G>A, p.Ser111Asn (NM_001321431.2); c.332G>A (NM_032447.3); short protein forms S111N.
Identifiers: ClinVar variation 2177231 (VCV002177231.6), dbSNP rs766044248, ClinGen allele CA9153766.